The following is an entry in ClinVar:

NM_000135.4(FANCA):c.779A>C (p.Glu260Ala)

Gene: FANCA (FA complementation group A; minus strand). Cytogenetic location: 16q24.3.
Variant type: single nucleotide variant.
Coding change: c.779A>C on transcript NM_000135.4 (MANE Select); coding-DNA position 779, A replaced by C.
Protein change: p.Glu260Ala; replaces glutamic acid 260 with alanine.
Molecular consequence: missense variant.
Genome position (GRCh38, 1-based): chr16:89,803,272, T>G on the plus strand (A>C on the coding strand, the complement: FANCA is on the minus strand). VCF-style: chr16-89803272-T-G. GRCh37 (hg19) VCF-style: chr16-89869680-T-G.
Other names: c.779A>C (NM_000135.3); c.779A>C, p.Glu260Ala (NM_001018112.3, NM_001286167.3); c.683A>C, p.Glu228Ala (NM_001351830.2); short protein forms E228A, E260A.
Identifiers: ClinVar variation 4254281 (VCV004254281.2).

ClinVar aggregate classification (germline): Uncertain significance. Review status: criteria provided, multiple submitters, no conflicts (2 of 4 stars). 2 submissions from 2 submitters: Uncertain significance (2). Last evaluated 2025-08-11.

Conditions:
Inborn genetic diseases. Identifiers: MedGen C0950123, MeSH D030342.

Submissions (2):

Ambry Genetics
Classification: Uncertain significance for Inborn genetic diseases. Last evaluated: 2025-08-11. Review status: criteria provided, single submitter. Criteria: Ambry Variant Classification Scheme 2023. Collection method: clinical testing. Allele origin: germline.
Comment: The p.E260A variant (also known as c.779A>C), located in coding exon 8 of the FANCA gene, results from an A to C substitution at nucleotide position 779. The glutamic acid at codon 260 is replaced by alanine, an amino acid with dissimilar properties. This amino acid position is conserved. In addition, this alteration is predicted to be tolerated by in silico analysis. Based on the available evidence, the clinical significance of this variant remains unclear.

Quest Diagnostics Nichols Institute San Juan Capistrano
Classification: Uncertain significance. Last evaluated: 2025-01-28. Review status: criteria provided, single submitter. Criteria: Quest Diagnostics criteria. Collection method: clinical testing. Allele origin: unknown.
Comment: The FANCA c.779A>C (p.Glu260Ala) variant has not been reported in individuals with FANCA-related conditions in the published literature. It also has not been reported in large, multi-ethnic general populations (Genome Aggregation Database). Analysis of this variant using bioinformatics tools for the prediction of the effect of amino acid changes on protein structure and function yielded predictions that this variant is benign. Based on the available information, we are unable to determine the clinical significance of this variant.